The following is an entry in ClinVar:

ClinVar aggregate classification (germline): Likely benign. Review status: criteria provided, multiple submitters, no conflicts (2 of 4 stars). 4 submissions from 4 submitters: Likely benign (4). Last evaluated 2025-09-11.

Conditions:
Heterotopia, periventricular, X-linked dominant (PVNH1). Also called: PERIVENTRICULAR NODULAR HETEROTOPIA 1; X-linked periventricular heterotopia; PERIVENTRICULAR NODULAR HETEROTOPIA 4; HETEROTOPIA, PERIVENTRICULAR, 1. Identifiers: Orphanet 2149, Orphanet 82004, MedGen C1848213, MONDO:0010233, OMIM 300049.
Oto-palato-digital syndrome, type II (OPD2). Also called: Otopalatodigital Syndrome, Type II; Otopalatodigital Syndrome Type 2 (FLNA-OPD2); FACIOPALATOOSSEOUS SYNDROME; OPD II SYNDROME. Identifiers: Orphanet 669, Orphanet 90652, MedGen C1844696, MONDO:0010571, OMIM 304120.
Melnick-Needles syndrome (MNS). Also called: OSTEODYSPLASTY OF MELNICK AND NEEDLES; Melnick-Needles Syndrome (FLNA-MNS); MELNICK-NEEDLES OSTEODYSPLASTY. Identifiers: Orphanet 2484, MedGen C0025237, MONDO:0010650, OMIM 309350.
Frontometaphyseal dysplasia (FMD1). Identifiers: Orphanet 1826, MedGen C0265293, MONDO:0015942.
Familial thoracic aortic aneurysm and aortic dissection (TAAD). Also called: Thoracic aortic aneurysms and dissections. Identifiers: Orphanet 91387, MedGen C4707243, MONDO:0019625.

Allele frequency attached by ClinVar (database versions not stated): gnomAD exomes below 0.00001; gnomAD 0.00002; TOPMed 0.00002.
gnomAD v4.1: 4 of 1,210,205 alleles (0.00033%); highest among the groups gnomAD compares: Admixed American, 0.0087%; no homozygotes.

Submissions (4):

Labcorp Genetics (formerly Invitae), Labcorp
Classification: Likely benign for Oto-palato-digital syndrome, type II; Heterotopia, periventricular, X-linked dominant; Frontometaphyseal dysplasia; Melnick-Needles syndrome. Last evaluated: 2025-09-11. Review status: criteria provided, single submitter. Criteria: Invitae Variant Classification Sherloc (09022015). Collection method: clinical testing. Allele origin: germline.

Ambry Genetics
Classification: Likely benign for Familial thoracic aortic aneurysm and aortic dissection. Last evaluated: 2024-03-07. Review status: criteria provided, single submitter. Criteria: Ambry Variant Classification Scheme 2023. Collection method: clinical testing. Allele origin: germline.

CeGaT Center for Human Genetics Tuebingen
Classification: Likely benign. Last evaluated: 2023-11-01. Review status: criteria provided, single submitter. Criteria: CeGaT Center For Human Genetics Tuebingen Variant Classification Criteria Version 2. Collection method: clinical testing. Allele origin: germline. Affected: yes. Observed: 1 variant allele.
Comment: FLNA: BP4, BP7

Breakthrough Genomics
Classification: Likely benign. Review status: criteria provided, single submitter. Criteria: ACMG Guidelines, 2015. Collection method: not provided. Allele origin: germline. Inheritance: X-linked inheritance. Affected: yes.

NM_001110556.2(FLNA):c.6507T>C (p.Ile2169=)

Gene: FLNA (filamin A; minus strand). Cytogenetic location: Xq28.
Variant type: single nucleotide variant.
Coding change: c.6507T>C on transcript NM_001110556.2 (MANE Select); coding-DNA position 6507, T replaced by C.
Protein change: p.Ile2169=; no amino-acid change (isoleucine 2169 retained).
Molecular consequence: synonymous variant.
Genome position (GRCh38, 1-based): chrX:154,352,443, A>G on the plus strand (T>C on the coding strand, the complement: FLNA is on the minus strand). VCF-style: chrX-154352443-A-G. GRCh37 (hg19) VCF-style: chrX-153580811-A-G.
Other names: c.6483T>C, p.Ile2161= (NM_001456.4).
Identifiers: ClinVar variation 704710 (VCV000704710.32), dbSNP rs1247682661, ClinGen allele CA519706358.